The following is an entry in ClinVar:

NM_001165963.4(SCN1A):c.4051C>T (p.Leu1351Phe)

Genes: SCN1A (sodium voltage-gated channel alpha subunit 1; minus strand), LOC102724058 (uncharacterized LOC102724058; plus strand). Cytogenetic location: 2q24.3.
Variant type: single nucleotide variant.
Coding change: c.4051C>T on transcript NM_001165963.4 (MANE Select); coding-DNA position 4051, C replaced by T.
Protein change: p.Leu1351Phe; replaces leucine 1351 with phenylalanine.
Molecular consequence: missense variant. On other transcripts: non-coding transcript variant (1).
Genome position (GRCh38, 1-based): chr2:166,002,705, G>A on the plus strand (C>T on the coding strand, the complement: SCN1A is on the minus strand). VCF-style: chr2-166002705-G-A. GRCh37 (hg19) VCF-style: chr2-166859215-G-A.
Other names: c.3967C>T, p.Leu1323Phe (NM_001165964.3, NM_001353957.2, NM_001353958.2); c.4051C>T, p.Leu1351Phe (NM_001202435.3, NM_001353948.2); c.4018C>T, p.Leu1340Phe (NM_001353949.2, NM_001353950.2, NM_001353951.2 and 2 more transcripts); c.4015C>T, p.Leu1339Phe (NM_001353954.2, NM_001353955.2); c.3964C>T, p.Leu1322Phe (NM_001353960.2); c.1609C>T, p.Leu537Phe (NM_001353961.2); short protein forms L1322F, L1339F, L1340F, L1351F, L1323F, L537F.
Identifiers: ClinVar variation 954384 (VCV000954384.11), dbSNP rs1691082638, ClinGen allele CA349050688.

ClinVar aggregate classification (germline): Pathogenic/Likely pathogenic. Review status: criteria provided, multiple submitters, no conflicts (2 of 4 stars). 2 submissions from 2 submitters: Pathogenic (1); Likely pathogenic (1). Last evaluated 2024-08-29.

Conditions:
Seizure. Also called: Seizures. Identifiers: MedGen C0036572, HP:0001250.
Early-infantile DEE. Also called: Early infantile epileptic encephalopathy; Early infantile epileptic encephalopathy with suppression bursts; Ohtahara syndrome. Identifiers: Orphanet 1934, MedGen C0393706, MONDO:0800491.

Submissions (2):

Labcorp Genetics (formerly Invitae), Labcorp
Classification: Likely pathogenic for Early-infantile DEE. Last evaluated: 2024-08-29. Review status: criteria provided, single submitter. Criteria: Invitae Variant Classification Sherloc (09022015). Collection method: clinical testing. Allele origin: germline.
Comment: This sequence change replaces leucine, which is neutral and non-polar, with phenylalanine, which is neutral and non-polar, at codon 1351 of the SCN1A protein (p.Leu1351Phe). This variant is not present in population databases (gnomAD no frequency). This missense change has been observed in individual(s) with SCN1A-related conditions (PMID: 35074891). ClinVar contains an entry for this variant (Variation ID: 954384). Invitae Evidence Modeling of protein sequence and biophysical properties (such as structural, functional, and spatial information, amino acid conservation, physicochemical variation, residue mobility, and thermodynamic stability) indicates that this missense variant is expected to disrupt SCN1A protein function with a positive predictive value of 95%. This variant disrupts the p.Leu1351 amino acid residue in SCN1A. Other variant(s) that disrupt this residue have been determined to be pathogenic (internal data). This suggests that this residue is clinically significant, and that variants that disrupt this residue are likely to be disease-causing. In summary, the currently available evidence indicates that the variant is pathogenic, but additional data are needed to prove that conclusively. Therefore, this variant has been classified as Likely Pathogenic.

Cytogénomique, Hospices Civils de Lyon
Classification: Pathogenic for Seizure. Last evaluated: 2024-08-06. Review status: criteria provided, single submitter. Criteria: ACMG Guidelines, 2015. Collection method: clinical testing. Allele origin: maternal. Affected: yes.

Literature cited by the submitters: PubMed 35074891 (cited by Labcorp Genetics (formerly Invitae), Labcorp).